The following is an entry in ClinVar:

ClinVar aggregate classification (germline): Uncertain significance (1 of 4 stars; one submission).

Conditions:
Familial thoracic aortic aneurysm and aortic dissection (TAAD). Also called: Thoracic aortic aneurysms and dissections. Identifiers: Orphanet 91387, MedGen C4707243, MONDO:0019625.

Allele frequency attached by ClinVar (database versions not stated): ExAC 0.00001.

Submission:

Ambry Genetics
Classification: Uncertain significance for Familial thoracic aortic aneurysm and aortic dissection. Last evaluated: 2024-01-03. Review status: criteria provided, single submitter. Criteria: Ambry Variant Classification Scheme 2023. Collection method: clinical testing. Allele origin: germline.
Comment: The p.S1407P variant (also known as c.4219T>C), located in coding exon 25 of the NOTCH1 gene, results from a T to C substitution at nucleotide position 4219. The serine at codon 1407 is replaced by proline, an amino acid with similar properties. This amino acid position is conserved. In addition, this alteration is predicted to be tolerated by in silico analysis. Since supporting evidence is limited at this time, the clinical significance of this alteration remains unclear.

NM_017617.5(NOTCH1):c.4219T>C (p.Ser1407Pro)

Gene: NOTCH1 (notch receptor 1; minus strand). Cytogenetic location: 9q34.3.
Variant type: single nucleotide variant.
Coding change: c.4219T>C on transcript NM_017617.5 (MANE Select); coding-DNA position 4219, T replaced by C.
Protein change: p.Ser1407Pro; replaces serine 1407 with proline.
Molecular consequence: missense variant.
Genome position (GRCh38, 1-based): chr9:136,505,677, A>G on the plus strand (T>C on the coding strand, the complement: NOTCH1 is on the minus strand). VCF-style: chr9-136505677-A-G. GRCh37 (hg19) VCF-style: chr9-139400129-A-G.
Other names: short protein forms S1407P.
Identifiers: ClinVar variation 3226965 (VCV003226965.1), dbSNP rs758422049, ClinGen allele CA5340662.